The following is an entry in ClinVar:

ClinVar aggregate classification (germline): Uncertain significance (1 of 4 stars; one submission).

Conditions:
Hereditary cancer-predisposing syndrome. Also called: Tumor predisposition; Neoplastic Syndromes, Hereditary; Hereditary neoplastic syndrome; Hereditary Cancer Syndrome. Identifiers: Orphanet 140162, MedGen C0027672, MeSH D009386, MONDO:0015356.

Submission:

Ambry Genetics
Classification: Uncertain significance for Hereditary cancer-predisposing syndrome. Last evaluated: 2025-08-27. Review status: criteria provided, single submitter. Criteria: Ambry Variant Classification Scheme 2023. Collection method: clinical testing. Allele origin: germline.
Comment: The p.Y453F variant (also known as c.1358A>T), located in coding exon 14 of the MUTYH gene, results from an A to T substitution at nucleotide position 1358. The tyrosine at codon 453 is replaced by phenylalanine, an amino acid with highly similar properties. This amino acid position is conserved. In addition, the in silico prediction for this alteration is inconclusive. Based on the available evidence, the clinical significance of this variant remains unclear.

NM_001048174.2(MUTYH):c.1274A>T (p.Tyr425Phe)

Gene: MUTYH (mutY DNA glycosylase; minus strand). Cytogenetic location: 1p34.1.
Variant type: single nucleotide variant.
Coding change: c.1274A>T on transcript NM_001048174.2 (MANE Select); coding-DNA position 1274, A replaced by T.
Protein change: p.Tyr425Phe; replaces tyrosine 425 with phenylalanine.
Molecular consequence: missense variant. On other transcripts: non-coding transcript variant (7).
Genome position (GRCh38, 1-based): chr1:45,331,300, T>A on the plus strand (A>T on the coding strand, the complement: MUTYH is on the minus strand). VCF-style: chr1-45331300-T-A. GRCh37 (hg19) VCF-style: chr1-45796972-T-A.
Other names: c.1274A>T, p.Tyr425Phe (NM_001048173.2, NM_001048171.2, NM_001293195.2 and 6 more transcripts); c.1358A>T, p.Tyr453Phe (NM_001128425.2); c.1277A>T, p.Tyr426Phe (NM_001048172.2, NM_001407086.1, NM_001407071.1 and 1 more transcripts); c.1319A>T, p.Tyr440Phe (NM_001293190.2); c.1307A>T, p.Tyr436Phe (NM_001293191.2, NM_001407069.1, NM_001407077.1); c.998A>T, p.Tyr333Phe (NM_001293192.2, NM_001293196.2, NM_001407091.1); c.929A>T, p.Tyr310Phe (NM_001350650.2, NM_001350651.2, NM_001407082.1); c.1316A>T, p.Tyr439Phe (NM_001407083.1, NM_001407085.1); and 5 more; short protein forms Y333F, Y425F, Y436F, Y439F, Y411F, Y440F, Y453F, Y412F.
Identifiers: ClinVar variation 4113193 (VCV004113193.1).